The following is an entry in ClinVar:

NM_004840.3(ARHGEF6):c.362G>A (p.Arg121His)

Gene: ARHGEF6 (Rac/Cdc42 guanine nucleotide exchange factor 6; minus strand). Cytogenetic location: Xq26.3.
Variant type: single nucleotide variant.
Coding change: c.362G>A on transcript NM_004840.3 (MANE Select); coding-DNA position 362, G replaced by A.
Protein change: p.Arg121His; replaces arginine 121 with histidine.
Molecular consequence: missense variant. On other transcripts: 5 prime UTR variant (1).
Genome position (GRCh38, 1-based): chrX:136,745,320, C>T on the plus strand (G>A on the coding strand, the complement: ARHGEF6 is on the minus strand). VCF-style: chrX-136745320-C-T. GRCh37 (hg19) VCF-style: chrX-135827479-C-T.
Other names: c.-101G>A (NM_001306177.2); short protein forms R121H.
Identifiers: ClinVar variation 128447 (VCV000128447.24), dbSNP rs35106300, ClinGen allele CA151900.

ClinVar aggregate classification (germline): Benign/Likely benign. Review status: criteria provided, multiple submitters, no conflicts (2 of 4 stars). 12 submissions from 11 submitters: Benign (6); Likely benign (1). 5 of the submissions do not count toward it. Last evaluated 2024-11-22.

Conditions:
ARHGEF6-related disorder. Also called: ARHGEF6-related condition.
Genetic developmental and epileptic encephalopathy. Identifiers: MedGen CN379639, MONDO:0100062.
Intellectual developmental disorder, X-linked 46. Also called: Intellectual disability, X-linked 46. Identifiers: Orphanet 777, MedGen C1845526, MONDO:0010326, OMIM 300436.
Intellectual disability. Also called: Intellectual functioning disability; Intellectual developmental disorder; intellectual disabilities. Identifiers: MedGen C3714756, MeSH D008607, MONDO:0001071, HP:0001249.

Allele frequency attached by ClinVar (database versions not stated): ExAC 0.00497; 1000 Genomes Project 30x 0.00166; gnomAD exomes 0.00463; gnomAD 0.00398 and 0.00404; 1000 Genomes Project 0.00159; ESP Exome Variant Server 0.00312; TOPMed 0.00338.
gnomAD v4.1: 6,830 of 1,209,615 alleles (0.56%); highest among the groups gnomAD compares: Non-Finnish European, 0.66%; 17 homozygotes.

Submissions (12):

Blueprint Genetics
Classification: Benign. Last evaluated: 2024-11-22. Review status: criteria provided, single submitter. Criteria: ACMG Guidelines, 2015. Collection method: clinical testing. Allele origin: germline.

Labcorp Genetics (formerly Invitae), Labcorp
Classification: Likely benign. Last evaluated: 2019-12-31. Review status: criteria provided, single submitter. Criteria: Invitae Variant Classification Sherloc (09022015). Collection method: clinical testing. Allele origin: germline.

Cambridge Genomics Laboratory, East Genomic Laboratory Hub, NHS Genomic Medicine Service
Classification: Benign for Intellectual disability. Last evaluated: 2019-04-17. Review status: criteria provided, single submitter. Criteria: ACGS Best Practice Guidelines for Variant Classification in Rare Disease 2020. Collection method: clinical testing. Allele origin: germline. Affected: yes. Observed: 1 variant allele.

Cambridge Genomics Laboratory, East Genomic Laboratory Hub, NHS Genomic Medicine Service
Classification: Benign for Genetic developmental and epileptic encephalopathy. Last evaluated: 2019-04-17. Review status: criteria provided, single submitter. Criteria: ACGS Best Practice Guidelines for Variant Classification in Rare Disease 2020. Collection method: clinical testing. Allele origin: germline. Affected: yes. Observed: 1 variant allele.

Ambry Genetics
Classification: Benign. Last evaluated: 2015-12-29. Review status: criteria provided, single submitter. Criteria: Ambry Variant Classification Scheme 2023. Collection method: clinical testing. Allele origin: germline.

Eurofins Ntd Llc (ga)
Classification: Benign. Last evaluated: 2014-02-06. Review status: criteria provided, single submitter. Criteria: EGL Classification Definitions 2015. Collection method: clinical testing. Allele origin: germline. Observed: 1 variant allele, 1 hemizygote.

Genetic Services Laboratory, University of Chicago
Classification: Benign for AllHighlyPenetrant. Last evaluated: 2013-05-08. Review status: criteria provided, single submitter. Criteria: ACMG Guidelines, 2007. Collection method: clinical testing. Allele origin: germline. Inheritance: X-linked inheritance.

PreventionGenetics, part of Exact Sciences
Classification: Benign for ARHGEF6-related condition. Last evaluated: 2019-03-27. Review status: no assertion criteria provided. Collection method: clinical testing. Allele origin: germline. Not counted in ClinVar's aggregate classification.
Comment: This variant is classified as benign based on ACMG/AMP sequence variant interpretation guidelines (Richards et al. 2015 PMID: 25741868, with internal and published modifications).

Clinical Genetics DNA and cytogenetics Diagnostics Lab, Erasmus MC, Erasmus Medical Center
Classification: Likely benign. Review status: no assertion criteria provided. Collection method: clinical testing. Allele origin: germline. Affected: yes. Study: VKGL Data-share Consensus. Not counted in ClinVar's aggregate classification.

Diagnostic Laboratory, Department of Genetics, University Medical Center Groningen
Classification: Likely benign for Intellectual developmental disorder, X-linked 46. Review status: no assertion criteria provided. Collection method: clinical testing. Allele origin: germline. Affected: yes. Study: VKGL Data-share Consensus. Not counted in ClinVar's aggregate classification.

Genome Diagnostics Laboratory, University Medical Center Utrecht
Classification: Benign. Review status: no assertion criteria provided. Collection method: clinical testing. Allele origin: germline. Affected: yes. Study: VKGL Data-share Consensus. Not counted in ClinVar's aggregate classification.

Laboratory of Diagnostic Genome Analysis, Leiden University Medical Center (LUMC)
Classification: Likely benign. Review status: no assertion criteria provided. Collection method: clinical testing. Allele origin: germline. Affected: yes. Study: VKGL Data-share Consensus. Not counted in ClinVar's aggregate classification.